The following is an entry in ClinVar:

ClinVar aggregate classification (germline): Benign (1 of 4 stars; one submission).

Conditions:
Familial cancer of breast. Also called: Hereditary breast cancer; hereditary breast carcinoma; BREAST CANCER, FAMILIAL. Identifiers: Orphanet 227535, MedGen C0346153, MONDO:0016419, OMIM 114480. Disease mechanism: loss of function.

gnomAD v4.1: 2 of 1,613,982 alleles (0.00012%); highest among the groups gnomAD compares: South Asian, 0.0011%; no homozygotes.

Submission:

Myriad Genetics, Inc.
Classification: Benign for Familial cancer of breast. Last evaluated: 2025-01-10. Review status: criteria provided, single submitter. Criteria: Myriad Autosomal Dominant, Autosomal Recessive and X-Linked Classification Criteria (2023). Collection method: clinical testing. Allele origin: unknown.
Comment: This variant is considered benign. This variant is a silent/synonymous amino acid change and it is not expected to impact splicing.

NM_024675.4(PALB2):c.303T>C (p.Asp101=)

Gene: PALB2 (partner and localizer of BRCA2; minus strand). Cytogenetic location: 16p12.2.
Variant type: single nucleotide variant.
Coding change: c.303T>C on transcript NM_024675.4 (MANE Select); coding-DNA position 303, T replaced by C.
Protein change: p.Asp101=; no amino-acid change (aspartic acid 101 retained).
Molecular consequence: synonymous variant. On other transcripts: 5 prime UTR variant (8), intron variant (3).
Genome position (GRCh38, 1-based): chr16:23,636,243, A>G on the plus strand (T>C on the coding strand, the complement: PALB2 is on the minus strand). VCF-style: chr16-23636243-A-G. GRCh37 (hg19) VCF-style: chr16-23647564-A-G.
Other names: c.243T>C, p.Asp81= (NM_001407296.1); c.303T>C, p.Asp101= (NM_001407297.1, NM_001407298.1, NM_001407299.1 and 3 more transcripts); c.-583T>C (NM_001407304.1, NM_001407305.1, NM_001407306.1 and 5 more transcripts); c.48+4867T>C (NM_001407314.1); c.-105+4867T>C (NM_001407313.1, NM_001407312.1).
Identifiers: ClinVar variation 3903589 (VCV003903589.1).